The following is an entry in ClinVar:

NM_001447.3(FAT2):c.5726C>T (p.Thr1909Ile)

Genes: FAT2 (FAT atypical cadherin 2; minus strand), SLC36A1 (solute carrier family 36 member 1; plus strand). Cytogenetic location: 5q33.1.
Variant type: single nucleotide variant.
Coding change: c.5726C>T on transcript NM_001447.3 (MANE Select); coding-DNA position 5726, C replaced by T.
Protein change: p.Thr1909Ile; replaces threonine 1909 with isoleucine.
Molecular consequence: missense variant.
Genome position (GRCh38, 1-based): chr5:151,545,401, G>A on the plus strand (C>T on the coding strand, the complement: FAT2 is on the minus strand). VCF-style: chr5-151545401-G-A. GRCh37 (hg19) VCF-style: chr5-150924962-G-A.
Other names: short protein forms T1909I.
Identifiers: ClinVar variation 708099 (VCV000708099.34), dbSNP rs142001888, ClinGen allele CA3521242.

ClinVar aggregate classification (germline): Likely benign. Review status: criteria provided, multiple submitters, no conflicts (2 of 4 stars). 5 submissions from 5 submitters: Likely benign (4). 1 of the submissions does not count toward it. Last evaluated 2026-02-01.

Conditions:
FAT2-related disorder. Also called: FAT2-related condition.

Allele frequency attached by ClinVar (database versions not stated): 1000 Genomes Project 30x 0.00047; 1000 Genomes Project 0.00060; gnomAD 0.00208 and 0.00215; TOPMed 0.00213; gnomAD exomes 0.00246 and 0.00366; ESP Exome Variant Server 0.00261; ExAC 0.00278.
gnomAD v4.1: 5,627 of 1,614,180 alleles (0.35%); highest among the groups gnomAD compares: Non-Finnish European, 0.44%; 17 homozygotes.

Submissions (5):

CeGaT Center for Human Genetics Tuebingen
Classification: Likely benign. Last evaluated: 2026-02-01. Review status: criteria provided, single submitter. Criteria: CeGaT Center For Human Genetics Tuebingen Variant Classification Criteria Version 2. Collection method: clinical testing. Allele origin: germline. Affected: yes. Observed: 8 variant alleles.
Comment: FAT2: PP2, BP4, BS2

Labcorp Genetics (formerly Invitae), Labcorp
Classification: Likely benign. Last evaluated: 2025-12-24. Review status: criteria provided, single submitter. Criteria: Invitae Variant Classification Sherloc (09022015). Collection method: clinical testing. Allele origin: germline.

Blueprint Genetics
Classification: Likely benign. Last evaluated: 2024-11-06. Review status: criteria provided, single submitter. Criteria: ACMG Guidelines, 2015. Collection method: clinical testing. Allele origin: germline.

Breakthrough Genomics
Classification: Likely benign. Review status: criteria provided, single submitter. Criteria: ACMG Guidelines, 2015. Collection method: not provided. Allele origin: germline. Inheritance: Autosomal dominant inheritance. Affected: yes.

PreventionGenetics, part of Exact Sciences
Classification: Benign for FAT2-related condition. Last evaluated: 2019-05-06. Review status: no assertion criteria provided. Collection method: clinical testing. Allele origin: germline. Not counted in ClinVar's aggregate classification.
Comment: This variant is classified as benign based on ACMG/AMP sequence variant interpretation guidelines (Richards et al. 2015 PMID: 25741868, with internal and published modifications).